The following is an entry in ClinVar:

NM_001042492.3(NF1):c.3701C>T (p.Ser1234Phe)

Gene: NF1 (neurofibromin 1; plus strand). Cytogenetic location: 17q11.2.
Variant type: single nucleotide variant.
Coding change: c.3701C>T on transcript NM_001042492.3 (MANE Select); coding-DNA position 3701, C replaced by T.
Protein change: p.Ser1234Phe; replaces serine 1234 with phenylalanine.
Molecular consequence: missense variant.
Genome position (GRCh38, 1-based): chr17:31,233,206, C>T. VCF-style: chr17-31233206-C-T. GRCh37 (hg19) VCF-style: chr17-29560224-C-T.
Other names: c.3701C>T, p.Ser1234Phe (NM_000267.4); short protein forms S1234F.
Identifiers: ClinVar variation 2415027 (VCV002415027.6), dbSNP rs751638238, ClinGen allele CA8486208.

ClinVar aggregate classification (germline): Uncertain significance (1 of 4 stars; one submission).

Conditions:
Neurofibromatosis, type 1 (NF1). Also called: Peripheral type neurofibromatosis; VON RECKLINGHAUSEN DISEASE; NEUROFIBROMATOSIS, TYPE I, SOMATIC; Neurofibromatosis, type I. Identifiers: Orphanet 636, MedGen C0027831, MONDO:0018975, OMIM 162200. Disease mechanism: loss of function.

Allele frequency attached by ClinVar (database versions not stated): gnomAD exomes below 0.00001; ExAC 0.00001.

Submission:

Labcorp Genetics (formerly Invitae), Labcorp
Classification: Uncertain significance for Neurofibromatosis, type 1. Last evaluated: 2022-05-29. Review status: criteria provided, single submitter. Criteria: Invitae Variant Classification Sherloc (09022015). Collection method: clinical testing. Allele origin: germline.
Comment: This sequence change replaces serine, which is neutral and polar, with phenylalanine, which is neutral and non-polar, at codon 1234 of the NF1 protein (p.Ser1234Phe). This variant is present in population databases (rs751638238, gnomAD 0.01%). In summary, the available evidence is currently insufficient to determine the role of this variant in disease. Therefore, it has been classified as a Variant of Uncertain Significance. This variant has not been reported in the literature in individuals affected with NF1-related conditions. Advanced modeling of protein sequence and biophysical properties (such as structural, functional, and spatial information, amino acid conservation, physicochemical variation, residue mobility, and thermodynamic stability) performed at Invitae indicates that this missense variant is expected to disrupt NF1 protein function.